The following is an entry in ClinVar:

NM_172245.4(CSF2RA):c.810+2T>A

Gene: CSF2RA (colony stimulating factor 2 receptor subunit alpha; plus strand). Cytogenetic location: Yp11.2.
Variant type: single nucleotide variant.
Coding change: c.810+2T>A on transcript NM_172245.4 (MANE Select); the canonical splice donor site of the intron after coding-DNA position 810, T replaced by A.
Molecular consequence: splice donor variant. On other transcripts: intron variant (2).
Genome position (GRCh38, 1-based): chrX:1,295,458, T>A. VCF-style: chrX-1295458-T-A. GRCh37 (hg19) VCF-style: chrX-1414351-T-A.
Other names: c.810+2T>A (NM_006140.4, NM_001379163.1, NM_001379159.1 and 18 more transcripts); c.646+4949T>A (NM_172249.4); c.780+997T>A (NM_001379160.1); c.791+2T>A (NM_001379166.1); c.411+2T>A (NM_001161532.2).
Identifiers: ClinVar variation 1473649 (VCV001473649.9), dbSNP rs2148504379, ClinGen allele CA412236224.

ClinVar aggregate classification (germline): Conflicting classifications of pathogenicity. Review status: criteria provided, conflicting classifications (1 of 4 stars). 3 submissions from 3 submitters: Likely pathogenic (1); Uncertain significance (1). 1 of the submissions does not count toward it. Last evaluated 2024-11-26.

Conditions:
CSF2RA-related disorder. Also called: CSF2RA-related condition.
Surfactant metabolism dysfunction, pulmonary, 4 (SMDP4). Also called: CSF2RA DEFICIENCY; PAP DUE TO CSF2RA DEFICIENCY; PULMONARY ALVEOLAR PROTEINOSIS, CONGENITAL, 4. Identifiers: Orphanet 264675, MedGen C2677877, MONDO:0010424, OMIM 300770.

gnomAD v4.1: 1 of 1,613,422 alleles (0.000062%); highest among the groups gnomAD compares: Non-Finnish European, 0.000085%; no homozygotes.

Submissions (4):

Blueprint Genetics
Classification: Uncertain significance. Last evaluated: 2024-11-26. Review status: criteria provided, single submitter. Criteria: ACMG Guidelines, 2015. Collection method: clinical testing. Allele origin: germline.

Labcorp Genetics (formerly Invitae), Labcorp
Classification: Likely pathogenic for Surfactant metabolism dysfunction, pulmonary, 4. Last evaluated: 2022-07-26. Review status: criteria provided, single submitter. Criteria: Invitae Variant Classification Sherloc (09022015). Collection method: clinical testing. Allele origin: germline.
Comment: Algorithms developed to predict the effect of sequence changes on RNA splicing suggest that this variant may disrupt the consensus splice site. This sequence change affects a donor splice site in intron 9 of the CSF2RA gene. It is expected to disrupt RNA splicing. Variants that disrupt the donor or acceptor splice site typically lead to a loss of protein function (PMID: 16199547), and loss-of-function variants in CSF2RA are known to be pathogenic (PMID: 20622029, 25425184). This variant is not present in population databases (gnomAD no frequency). This variant has not been reported in the literature in individuals affected with CSF2RA-related conditions. ClinVar contains an entry for this variant (Variation ID: 1473649). In summary, the currently available evidence indicates that the variant is pathogenic, but additional data are needed to prove that conclusively. Therefore, this variant has been classified as Likely Pathogenic.

PreventionGenetics, part of Exact Sciences
Classification: Likely pathogenic for CSF2RA-related condition. Last evaluated: 2024-07-17. Review status: no assertion criteria provided. Collection method: clinical testing. Allele origin: germline. Not counted in ClinVar's aggregate classification.
Comment: The CSF2RA c.810+2T>A variant is predicted to disrupt the GT donor site and interfere with normal splicing. To our knowledge, this variant has not been reported in the literature or in a large population database, indicating this variant is rare. Variants that disrupt the consensus splice donor site in CSF2RA are expected to be pathogenic. This variant is interpreted as likely pathogenic.

Dr. Peter K. Rogan Lab, Western University
No classification provided (evidence only). Condition: Thyroid cancer, nonmedullary, 1. Review status: no classification provided. Collection method: in vitro. Allele origin: not applicable. Functional consequence: retained intron. Not counted in ClinVar's aggregate classification.

Literature cited by the submitters: PubMed 16199547 (cited by Labcorp Genetics (formerly Invitae), Labcorp); PubMed 20622029 (cited by Labcorp Genetics (formerly Invitae), Labcorp); PubMed 25425184 (cited by Labcorp Genetics (formerly Invitae), Labcorp).